The following is an entry in ClinVar:

ClinVar aggregate classification (germline): Pathogenic (1 of 4 stars; one submission).

Conditions:
DICER1-related tumor predisposition. Also called: DICER1-related pleuropulmonary blastoma cancer predisposition syndrome; DICER1 syndrome. Identifiers: Orphanet 284343, MedGen C3839822, MONDO:0100216.

Submission:

Foulkes Cancer Genetics LDI, Lady Davis Institute for Medical Research
Classification: Pathogenic for Pleuropulmonary blastoma. Last evaluated: 2019-07-01. Review status: criteria provided, single submitter. Criteria: ACMG Guidelines, 2015. Collection method: curation. Allele origin: germline. Affected: yes. Observed: 1 variant allele.
Comment: ACMG criteria met: PVS1, PM2, PP4

Literature cited by the submitters: PubMed 29881993.

NM_177438.3(DICER1):c.5163T>A (p.Tyr1721Ter)

Gene: DICER1 (dicer 1, ribonuclease III; minus strand). Cytogenetic location: 14q32.13.
Variant type: single nucleotide variant.
Coding change: c.5163T>A on transcript NM_177438.3 (MANE Select); coding-DNA position 5163, T replaced by A.
Protein change: p.Tyr1721Ter; replaces tyrosine 1721 with a stop codon.
Molecular consequence: nonsense.
Genome position (GRCh38, 1-based): chr14:95,094,089, A>T on the plus strand (T>A on the coding strand, the complement: DICER1 is on the minus strand). VCF-style: chr14-95094089-A-T. GRCh37 (hg19) VCF-style: chr14-95560426-A-T.
Other names: c.5163T>A, p.Tyr1721Ter (NM_001195573.1, NM_001271282.3, NM_001291628.2 and 1 more transcripts); short protein forms Y1721*.
Identifiers: ClinVar variation 933036 (VCV000933036.3), dbSNP rs756700070, ClinGen allele CA390865305.
Genomic context (GRCh38, chr14:95,094,089, plus strand): 5'-GTTGACCAGGGCAGACCGCAGGTCTGTCAGGACCCCCGGGGAGTGCTGCCGCGGGTCTTC[A>T]TAAAGGTGCTTGGTTATGAGGTAGTCCAAAATCGCATCTCCCAGGAATTCTAAGCGCTGG-3'